The following is an entry in ClinVar:

NM_024079.5(ALG8):c.517A>G (p.Met173Val)

Gene: ALG8 (ALG8 alpha-1,3-glucosyltransferase; minus strand). Cytogenetic location: 11q14.1.
Variant type: single nucleotide variant.
Coding change: c.517A>G on transcript NM_024079.5 (MANE Select); coding-DNA position 517, A replaced by G.
Protein change: p.Met173Val; replaces methionine 173 with valine.
Molecular consequence: missense variant.
Genome position (GRCh38, 1-based): chr11:78,119,211, T>C on the plus strand (A>G on the coding strand, the complement: ALG8 is on the minus strand). VCF-style: chr11-78119211-T-C. GRCh37 (hg19) VCF-style: chr11-77830257-T-C.
Other names: c.517A>G, p.Met173Val (NM_001007027.3); short protein forms M173V.
Identifiers: ClinVar variation 1006418 (VCV001006418.8), dbSNP rs146425128, ClinGen allele CA224913022.
Genomic context (GRCh38, chr11:78,119,211, plus strand): 5'-GGAAAAAATCTAATTAAACAATTATGTTTACCTGAAATAATCGTGCAATGGAGAGTAGCA[T>C]TAATCCAAATAAAAAGCCATTGTACTGAAAATGAATATCTGGACTTAGGTCAAGGAAAGA-3'
Protein context (NP_076984.2, residues 163-183): FQYNGFLFGL[Met173Val]LLSIARLFQK

ClinVar aggregate classification (germline): Uncertain significance (1 of 4 stars; one submission).

Conditions:
ALG8 congenital disorder of glycosylation. Also called: ALG8-CDG; CONGENITAL DISORDER OF GLYCOSYLATION, TYPE Ih; CDG Ih. Identifiers: Orphanet 79325, MedGen C2931002, MONDO:0011969, OMIM 608104.

Allele frequency attached by ClinVar (database versions not stated): gnomAD exomes below 0.00001; ESP Exome Variant Server 0.00008.

Submission:

Labcorp Genetics (formerly Invitae), Labcorp
Classification: Uncertain significance for ALG8 congenital disorder of glycosylation. Last evaluated: 2022-11-08. Review status: criteria provided, single submitter. Criteria: Invitae Variant Classification Sherloc (09022015). Collection method: clinical testing. Allele origin: germline.
Comment: In summary, the available evidence is currently insufficient to determine the role of this variant in disease. Therefore, it has been classified as a Variant of Uncertain Significance. Advanced modeling of protein sequence and biophysical properties (such as structural, functional, and spatial information, amino acid conservation, physicochemical variation, residue mobility, and thermodynamic stability) performed at Invitae indicates that this missense variant is not expected to disrupt ALG8 protein function. ClinVar contains an entry for this variant (Variation ID: 1006418). This variant has not been reported in the literature in individuals affected with ALG8-related conditions. This variant is not present in population databases (gnomAD no frequency). This sequence change replaces methionine, which is neutral and non-polar, with valine, which is neutral and non-polar, at codon 173 of the ALG8 protein (p.Met173Val).